The following is an entry in ClinVar:

ClinVar aggregate classification (germline): Uncertain significance (1 of 4 stars; one submission).

Allele frequency attached by ClinVar (database versions not stated): gnomAD 0.00002; gnomAD exomes 0.00002; TOPMed 0.00002.
gnomAD v4.1: 29 of 1,613,528 alleles (0.0018%); highest among the groups gnomAD compares: Non-Finnish European, 0.0025%; no homozygotes.

Submission:

Labcorp Genetics (formerly Invitae), Labcorp
Classification: Uncertain significance. Last evaluated: 2022-03-08. Review status: criteria provided, single submitter. Criteria: Invitae Variant Classification Sherloc (09022015). Collection method: clinical testing. Allele origin: germline.
Comment: In summary, the available evidence is currently insufficient to determine the role of this variant in disease. Therefore, it has been classified as a Variant of Uncertain Significance. Algorithms developed to predict the effect of missense changes on protein structure and function (SIFT, PolyPhen-2, Align-GVGD) all suggest that this variant is likely to be disruptive. This variant has not been reported in the literature in individuals affected with MCM3AP-related conditions. The frequency data for this variant in the population databases is considered unreliable, as metrics indicate poor data quality at this position in the gnomAD database. This sequence change replaces tyrosine, which is neutral and polar, with cysteine, which is neutral and slightly polar, at codon 1786 of the MCM3AP protein (p.Tyr1786Cys).

NM_003906.5(MCM3AP):c.5357A>G (p.Tyr1786Cys)

Genes: MCM3AP (minichromosome maintenance complex component 3 associated protein; minus strand), MCM3AP-AS1 (MCM3AP antisense RNA 1; plus strand). Cytogenetic location: 21q22.3.
Variant type: single nucleotide variant.
Coding change: c.5357A>G on transcript NM_003906.5 (MANE Select); coding-DNA position 5357, A replaced by G.
Protein change: p.Tyr1786Cys; replaces tyrosine 1786 with cysteine.
Molecular consequence: missense variant. On other transcripts: non-coding transcript variant (2).
Genome position (GRCh38, 1-based): chr21:46,242,871, T>C on the plus strand (A>G on the coding strand, the complement: MCM3AP is on the minus strand). VCF-style: chr21-46242871-T-C. GRCh37 (hg19) VCF-style: chr21-47662785-T-C.
Other names: short protein forms Y1786C.
Identifiers: ClinVar variation 2188608 (VCV002188608.2), dbSNP rs1047246890, ClinGen allele CA321977166.
Genomic context (GRCh38, chr21:46,242,871, plus strand): 5'-CTCAGCTGTAGCTCCTTCTGCGTCTGCAACCTGGCTTGTTCCCACGACAAAGGAACATCA[T>C]ATTTTTTCAAATCGTTTTTAAAAAAATACACACATATCTGACCATCTTCACTCAGCGCCT-3'
Protein context (NP_003897.2, residues 1776-1796): VYFFKNDLKK[Tyr1786Cys]DVPLSWEQAR